The following is an entry in ClinVar:

NM_015057.5(MYCBP2):c.9533C>A (p.Ala3178Asp)

Gene: MYCBP2 (MYC binding protein 2; minus strand). Cytogenetic location: 13q22.3.
Variant type: single nucleotide variant.
Coding change: c.9533C>A on transcript NM_015057.5 (MANE Select); coding-DNA position 9533, C replaced by A.
Protein change: p.Ala3178Asp; replaces alanine 3178 with aspartic acid.
Molecular consequence: missense variant.
Genome position (GRCh38, 1-based): chr13:77,097,621, G>T on the plus strand (C>A on the coding strand, the complement: MYCBP2 is on the minus strand). VCF-style: chr13-77097621-G-T. GRCh37 (hg19) VCF-style: chr13-77671756-G-T.
Other names: short protein forms A3178D.
Identifiers: ClinVar variation 3361612 (VCV003361612.1).

ClinVar aggregate classification (germline): Uncertain significance (1 of 4 stars; one submission).

Submission:

GeneDx
Classification: Uncertain significance. Last evaluated: 2023-07-24. Review status: criteria provided, single submitter. Criteria: GeneDx Variant Classification Process June 2021. Collection method: clinical testing. Allele origin: germline. Affected: yes.
Comment: Not observed at significant frequency in large population cohorts (gnomAD); In silico analysis supports that this missense variant has a deleterious effect on protein structure/function; Has not been previously published as pathogenic or benign to our knowledge